The following is an entry in ClinVar:

ClinVar aggregate classification (germline): Uncertain significance. Review status: criteria provided, multiple submitters, no conflicts (2 of 4 stars). 2 submissions from 2 submitters: Uncertain significance (2). Last evaluated 2023-04-12.

Conditions:
Hereditary cancer-predisposing syndrome. Also called: Hereditary neoplastic syndrome; Neoplastic Syndromes, Hereditary; Tumor predisposition; Hereditary Cancer Syndrome. Identifiers: Orphanet 140162, MedGen C0027672, MeSH D009386, MONDO:0015356.

Submissions (2):

Labcorp Genetics (formerly Invitae), Labcorp
Classification: Uncertain significance for Hereditary cancer-predisposing syndrome. Last evaluated: 2023-04-12. Review status: criteria provided, single submitter. Criteria: Invitae Variant Classification Sherloc (09022015). Collection method: clinical testing. Allele origin: germline.
Comment: In summary, the available evidence is currently insufficient to determine the role of this variant in disease. Therefore, it has been classified as a Variant of Uncertain Significance. Advanced modeling of protein sequence and biophysical properties (such as structural, functional, and spatial information, amino acid conservation, physicochemical variation, residue mobility, and thermodynamic stability) performed at Invitae indicates that this missense variant is not expected to disrupt RAD50 protein function. ClinVar contains an entry for this variant (Variation ID: 565972). This variant has not been reported in the literature in individuals affected with RAD50-related conditions. This variant is not present in population databases (gnomAD no frequency). This sequence change replaces arginine, which is basic and polar, with glycine, which is neutral and non-polar, at codon 365 of the RAD50 protein (p.Arg365Gly).

Ambry Genetics
Classification: Uncertain significance for Hereditary cancer-predisposing syndrome. Last evaluated: 2022-09-17. Review status: criteria provided, single submitter. Criteria: Ambry Variant Classification Scheme 2023. Collection method: clinical testing. Allele origin: germline.
Comment: The p.R365G variant (also known as c.1093C>G), located in coding exon 8 of the RAD50 gene, results from a C to G substitution at nucleotide position 1093. The arginine at codon 365 is replaced by glycine, an amino acid with dissimilar properties. This amino acid position is conserved. In addition, this alteration is predicted to be tolerated by in silico analysis. Since supporting evidence is limited at this time, the clinical significance of this alteration remains unclear.

NM_005732.4(RAD50):c.1093C>G (p.Arg365Gly)

Gene: RAD50 (RAD50 double strand break repair protein; plus strand). Cytogenetic location: 5q31.1.
Variant type: single nucleotide variant.
Coding change: c.1093C>G on transcript NM_005732.4 (MANE Select); coding-DNA position 1093, C replaced by G.
Protein change: p.Arg365Gly; replaces arginine 365 with glycine.
Molecular consequence: missense variant.
Genome position (GRCh38, 1-based): chr5:132,588,728, C>G. VCF-style: chr5-132588728-C-G. GRCh37 (hg19) VCF-style: chr5-131924420-C-G.
Other names: short protein forms R365G.
Identifiers: ClinVar variation 565972 (VCV000565972.11), dbSNP rs1247689593, ClinGen allele CA360942272.